The following is an entry in ClinVar:

NM_177438.3(DICER1):c.3989A>G (p.Tyr1330Cys)

Gene: DICER1 (dicer 1, ribonuclease III; minus strand). Cytogenetic location: 14q32.13.
Variant type: single nucleotide variant.
Coding change: c.3989A>G on transcript NM_177438.3 (MANE Select); coding-DNA position 3989, A replaced by G.
Protein change: p.Tyr1330Cys; replaces tyrosine 1330 with cysteine.
Molecular consequence: missense variant.
Genome position (GRCh38, 1-based): chr14:95,103,407, T>C on the plus strand (A>G on the coding strand, the complement: DICER1 is on the minus strand). VCF-style: chr14-95103407-T-C. GRCh37 (hg19) VCF-style: chr14-95569744-T-C.
Other names: c.3989A>G, p.Tyr1330Cys (NM_001195573.1, NM_001271282.3, NM_001291628.2 and 1 more transcripts); short protein forms Y1330C.
Identifiers: ClinVar variation 650675 (VCV000650675.10), dbSNP rs1595363934, ClinGen allele CA390873013.

ClinVar aggregate classification (germline): Uncertain significance (1 of 4 stars; one submission).

Conditions:
DICER1-related tumor predisposition. Also called: DICER1-related pleuropulmonary blastoma cancer predisposition syndrome; DICER1 syndrome. Identifiers: Orphanet 284343, MedGen C3839822, MONDO:0100216.

Allele frequency attached by ClinVar (database versions not stated): gnomAD exomes below 0.00001.
gnomAD v4.1: 1 of 1,614,154 alleles (0.000062%); highest among the groups gnomAD compares: Non-Finnish European, 0.000085%; no homozygotes.

Submission:

Labcorp Genetics (formerly Invitae), Labcorp
Classification: Uncertain significance for DICER1-related tumor predisposition. Last evaluated: 2021-04-12. Review status: criteria provided, single submitter. Criteria: Invitae Variant Classification Sherloc (09022015). Collection method: clinical testing. Allele origin: germline.
Comment: In summary, the available evidence is currently insufficient to determine the role of this variant in disease. Therefore, it has been classified as a Variant of Uncertain Significance. Algorithms developed to predict the effect of missense changes on protein structure and function (SIFT, PolyPhen-2, Align-GVGD) all suggest that this variant is likely to be disruptive, but these predictions have not been confirmed by published functional studies and their clinical significance is uncertain. This variant has not been reported in the literature in individuals with DICER1-related conditions. This variant is not present in population databases (ExAC no frequency). This sequence change replaces tyrosine with cysteine at codon 1330 of the DICER1 protein (p.Tyr1330Cys). The tyrosine residue is highly conserved and there is a large physicochemical difference between tyrosine and cysteine.